The following is an entry in ClinVar:

NM_018671.5(UNC45A):c.71T>G (p.Leu24Arg)

Gene: UNC45A (unc-45 myosin chaperone A; plus strand). Cytogenetic location: 15q26.1.
Variant type: single nucleotide variant.
Coding change: c.71T>G on transcript NM_018671.5 (MANE Select); coding-DNA position 71, T replaced by G.
Protein change: p.Leu24Arg; replaces leucine 24 with arginine.
Molecular consequence: missense variant. On other transcripts: 5 prime UTR variant (1).
Genome position (GRCh38, 1-based): chr15:90,935,563, T>G. VCF-style: chr15-90935563-T-G. GRCh37 (hg19) VCF-style: chr15-91478793-T-G.
Other names: c.26T>G, p.Leu9Arg (NM_001039675.2, NM_001323621.2); c.71T>G, p.Leu24Arg (NM_001323619.1); c.-513T>G (NM_001323620.2); short protein forms L24R, L9R.
Identifiers: ClinVar variation 2068521 (VCV002068521.1), dbSNP rs2543114867, ClinGen allele CA393889865.

ClinVar aggregate classification (germline): Uncertain significance (1 of 4 stars; one submission).

Submission:

Labcorp Genetics (formerly Invitae), Labcorp
Classification: Uncertain significance. Last evaluated: 2022-01-01. Review status: criteria provided, single submitter. Criteria: Invitae Variant Classification Sherloc (09022015). Collection method: clinical testing. Allele origin: germline.
Comment: This sequence change replaces leucine, which is neutral and non-polar, with arginine, which is basic and polar, at codon 24 of the UNC45A protein (p.Leu24Arg). This variant is not present in population databases (gnomAD no frequency). This variant has not been reported in the literature in individuals affected with UNC45A-related conditions. Algorithms developed to predict the effect of missense changes on protein structure and function are either unavailable or do not agree on the potential impact of this missense change (SIFT: "Not Available"; PolyPhen-2: "Probably Damaging"; Align-GVGD: "Not Available"). In summary, the available evidence is currently insufficient to determine the role of this variant in disease. Therefore, it has been classified as a Variant of Uncertain Significance.